The following is an entry in ClinVar:

NM_000071.3(CBS):c.129G>T (p.Trp43Cys)

Gene: CBS (cystathionine beta-synthase; minus strand). Cytogenetic location: 21q22.3.
Variant type: single nucleotide variant.
Coding change: c.129G>T on transcript NM_000071.3 (MANE Select); coding-DNA position 129, G replaced by T.
Protein change: p.Trp43Cys; replaces tryptophan 43 with cysteine.
Molecular consequence: missense variant.
Genome position (GRCh38, 1-based): chr21:43,072,065, C>A on the plus strand (G>T on the coding strand, the complement: CBS is on the minus strand). VCF-style: chr21-43072065-C-A. GRCh37 (hg19) VCF-style: chr21-44492175-C-A.
Other names: p.Trp43Cys; c.129G>T, p.Trp43Cys (NM_001178008.3, NM_001178009.3, NM_001320298.2); short protein forms W43C.
Identifiers: ClinVar variation 3380679 (VCV003380679.1).

ClinVar aggregate classification (germline): Uncertain significance (1 of 4 stars; one submission).

Submission:

Mayo Clinic Laboratories, Mayo Clinic
Classification: Uncertain significance. Last evaluated: 2023-10-31. Review status: criteria provided, single submitter. Criteria: ACMG Guidelines, 2015. Collection method: clinical testing. Allele origin: germline. Observed: 1 variant allele.
Comment: PP3